The following is an entry in ClinVar:

ClinVar aggregate classification (germline): Uncertain significance (1 of 4 stars; one submission).

Allele frequency attached by ClinVar (database versions not stated): gnomAD exomes below 0.00001; TOPMed below 0.00001; gnomAD 0.00001.
gnomAD v4.1: 2 of 1,611,562 alleles (0.00012%); highest among the groups gnomAD compares: African/African-American, 0.0013%; no homozygotes.

Submission:

Labcorp Genetics (formerly Invitae), Labcorp
Classification: Uncertain significance. Last evaluated: 2021-04-17. Review status: criteria provided, single submitter. Criteria: Invitae Variant Classification Sherloc (09022015). Collection method: clinical testing. Allele origin: germline.
Comment: In summary, the available evidence is currently insufficient to determine the role of this variant in disease. Therefore, it has been classified as a Variant of Uncertain Significance. Nucleotide substitutions within the consensus splice site are a relatively common cause of aberrant splicing (PMID: 17576681, 9536098). Algorithms developed to predict the effect of sequence changes on RNA splicing suggest that this variant is not likely to affect RNA splicing, but this prediction has not been confirmed by published transcriptional studies. This variant has not been reported in the literature in individuals with HPS5-related conditions. This variant is not present in population databases (ExAC no frequency). This sequence change falls in intron 14 of the HPS5 gene. It does not directly change the encoded amino acid sequence of the HPS5 protein. It affects a nucleotide within the consensus splice site of the intron.

Literature cited by the submitters: PubMed 17576681; PubMed 9536098.

NM_181507.2(HPS5):c.1785-3T>C

Gene: HPS5 (HPS5 biogenesis of lysosomal organelles complex 2 subunit 2; minus strand). Cytogenetic location: 11p15.1.
Variant type: single nucleotide variant.
Coding change: c.1785-3T>C on transcript NM_181507.2 (MANE Select); 3 bases into the intron before coding-DNA position 1785, T replaced by C.
Molecular consequence: intron variant.
Genome position (GRCh38, 1-based): chr11:18,292,979, A>G on the plus strand (T>C on the coding strand, the complement: HPS5 is on the minus strand). VCF-style: chr11-18292979-A-G. GRCh37 (hg19) VCF-style: chr11-18314526-A-G.
Other names: c.1371-3T>C (NM_001440929.1, NM_001440928.1, NM_001440927.1); c.1443-3T>C (NM_181508.2, NM_001440921.1, NM_001440926.1 and 7 more transcripts); c.1674-3T>C (NM_001440915.1, NM_001440914.1, NM_001440913.1); c.1785-3T>C (NM_001440931.1, NM_001440917.1, NM_001440906.1 and 5 more transcripts); c.1710-3T>C (NM_001440907.1, NM_001440909.1, NM_001440908.1); c.1572-3T>C (NM_001440919.1); c.1599-3T>C (NM_001440918.1).
Identifiers: ClinVar variation 1346254 (VCV001346254.6), dbSNP rs1860607454, ClinGen allele CA935585913.
Genomic context (GRCh38, chr11:18,292,979, plus strand): 5'-TTTAAGCTCCTGGAACCTGTCTTCTTCTGGAGGTGGACTAGTTACCTCTTTTTCCTCCCT[A>G]AAAAAGTGTGCAAAATAACAATAACATTCACAAGAGTTAGAGGGGATCAGAGCTTTTTTT-3'